The following is an entry in ClinVar:

NM_000136.3(FANCC):c.-65C>T

Gene: FANCC (FA complementation group C; minus strand). Cytogenetic location: 9q22.32.
Variant type: single nucleotide variant.
Coding change: c.-65C>T on transcript NM_000136.3 (MANE Select); 65 bases upstream of the start codon, C replaced by T.
Molecular consequence: 5 prime UTR variant.
Genome position (GRCh38, 1-based): chr9:95,249,356, G>A on the plus strand (C>T on the coding strand, the complement: FANCC is on the minus strand). VCF-style: chr9-95249356-G-A. GRCh37 (hg19) VCF-style: chr9-98011638-G-A.
Other names: c.-65C>T (NM_001243743.2, NM_001243744.2).
Identifiers: ClinVar variation 379935 (VCV000379935.11), dbSNP rs371725430, ClinGen allele CA16605909.
Genomic context (GRCh38, chr9:95,249,356, plus strand): 5'-GAAAAAGCGAAAAGGTGATGTCCCTTCACAGCAGCCTGTCCAGCACTGAAGGAAATGGTC[G>A]GCACACATTAAATCTGTAAGAAAGGGAACAAATAGAAGCATTTCTAAAAGGCTCTTTTAT-3'

ClinVar aggregate classification (germline): Likely benign. Review status: criteria provided, multiple submitters, no conflicts (2 of 4 stars). 2 submissions from 2 submitters: Likely benign (2). Last evaluated 2026-01-17.

Conditions:
Fanconi anemia (FA). Also called: Fanconi's anemia. Identifiers: Orphanet 84, MedGen C0015625, MeSH D005199, MONDO:0019391.

Allele frequency attached by ClinVar (database versions not stated): gnomAD 0.00005 and 0.00006; TOPMed 0.00006.
gnomAD v4.1: 67 of 1,492,020 alleles (0.0045%); highest among the groups gnomAD compares: African/African-American, 0.0055%; no homozygotes.

Submissions (2):

Labcorp Genetics (formerly Invitae), Labcorp
Classification: Likely benign for Fanconi anemia. Last evaluated: 2026-01-17. Review status: criteria provided, single submitter. Criteria: Invitae Variant Classification Sherloc (09022015). Collection method: clinical testing. Allele origin: germline.

GeneDx
Classification: Likely benign. Last evaluated: 2017-12-13. Review status: criteria provided, single submitter. Criteria: GeneDx Variant Classification (06012015). Collection method: clinical testing. Allele origin: germline. Affected: yes.
Comment: This variant is considered likely benign or benign based on one or more of the following criteria: it is a conservative change, it occurs at a poorly conserved position in the protein, it is predicted to be benign by multiple in silico algorithms, and/or has population frequency not consistent with disease.